The following is an entry in ClinVar:

NM_000535.7(PMS2):c.1678T>A (p.Cys560Ser)

Gene: PMS2 (PMS1 homolog 2, mismatch repair system component; minus strand). Cytogenetic location: 7p22.1.
Variant type: single nucleotide variant.
Coding change: c.1678T>A on transcript NM_000535.7 (MANE Select); coding-DNA position 1678, T replaced by A.
Protein change: p.Cys560Ser; replaces cysteine 560 with serine.
Molecular consequence: missense variant. On other transcripts: non-coding transcript variant (1).
Genome position (GRCh38, 1-based): chr7:5,987,087, A>T on the plus strand (T>A on the coding strand, the complement: PMS2 is on the minus strand). VCF-style: chr7-5987087-A-T. GRCh37 (hg19) VCF-style: chr7-6026718-A-T.
Other names: c.1678T>A (NM_000535.5); c.1273T>A, p.Cys425Ser (NM_001322003.2, NM_001322004.2, NM_001322005.2 and 1 more transcripts); c.1522T>A, p.Cys508Ser (NM_001322006.2); c.1360T>A, p.Cys454Ser (NM_001322007.2, NM_001322008.2); c.1117T>A, p.Cys373Ser (NM_001322010.2); c.745T>A, p.Cys249Ser (NM_001322011.2, NM_001322012.2); c.1105T>A, p.Cys369Ser (NM_001322013.2); c.1678T>A, p.Cys560Ser (NM_001322014.2); and 1 more; short protein forms C373S, C560S, C369S, C425S, C508S, C249S, C454S, C457S.
Identifiers: ClinVar variation 1046759 (VCV001046759.11), dbSNP rs370455197, ClinGen allele CA045074.

ClinVar aggregate classification (germline): Conflicting classifications of pathogenicity. Review status: criteria provided, conflicting classifications (1 of 4 stars). 4 submissions from 4 submitters: Uncertain significance (3); Likely benign (1). Last evaluated 2025-12-08.

Conditions:
Hereditary cancer-predisposing syndrome. Also called: Hereditary Cancer Syndrome; Tumor predisposition; Hereditary neoplastic syndrome; Neoplastic Syndromes, Hereditary. Identifiers: Orphanet 140162, MedGen C0027672, MeSH D009386, MONDO:0015356.
Hereditary nonpolyposis colorectal neoplasms. Identifiers: MedGen C0009405, MeSH D003123.

Allele frequency attached by ClinVar (database versions not stated): TOPMed below 0.00001; ExAC 0.00001; gnomAD 0.00001; ESP Exome Variant Server 0.00008.
gnomAD v4.1: 1 of 1,614,054 alleles (0.000062%); highest among the groups gnomAD compares: Non-Finnish European, 0.000085%; no homozygotes.

Submissions (4):

Labcorp Genetics (formerly Invitae), Labcorp
Classification: Uncertain significance for Hereditary nonpolyposis colorectal neoplasms. Last evaluated: 2025-12-08. Review status: criteria provided, single submitter. Criteria: Invitae Variant Classification Sherloc (09022015). Collection method: clinical testing. Allele origin: germline.
Comment: This sequence change replaces cysteine, which is neutral and slightly polar, with serine, which is neutral and polar, at codon 560 of the PMS2 protein (p.Cys560Ser). This variant is present in population databases (rs370455197, gnomAD 0.0009%). This variant has not been reported in the literature in individuals affected with PMS2-related conditions. ClinVar contains an entry for this variant (Variation ID: 1046759). Invitae Evidence Modeling incorporating data from in vitro experimental studies (internal data) indicates that this missense variant is not expected to disrupt PMS2 function with a negative predictive value of 95%. In summary, the available evidence is currently insufficient to determine the role of this variant in disease. Therefore, it has been classified as a Variant of Uncertain Significance.

Ambry Genetics
Classification: Likely benign for Hereditary cancer-predisposing syndrome. Last evaluated: 2025-09-30. Review status: criteria provided, single submitter. Criteria: Ambry Variant Classification Scheme 2023. Collection method: clinical testing. Allele origin: germline.

Color Diagnostics, LLC DBA Color Health
Classification: Uncertain significance for Hereditary cancer-predisposing syndrome. Last evaluated: 2024-03-05. Review status: criteria provided, single submitter. Criteria: ACMG Guidelines, 2015. Collection method: clinical testing. Allele origin: germline.
Comment: This missense variant replaces cysteine with serine at codon 560 of the PMS2 protein. Computational prediction suggests that this variant may not impact protein structure and function (internally defined REVEL score threshold <= 0.5, PMID: 27666373). To our knowledge, functional studies have not been reported for this variant. This variant has not been reported in individuals affected with PMS2-related disorders in the literature, and has been reported in a healthy control individual (PMID: 30267214). This variant has not been identified in the general population by the Genome Aggregation Database (gnomAD). The available evidence is insufficient to determine the role of this variant in disease conclusively. Therefore, this variant is classified as a Variant of Uncertain Significance.

Women's Health and Genetics/Laboratory Corporation of America, LabCorp
Classification: Uncertain significance. Last evaluated: 2024-01-07. Review status: criteria provided, single submitter. Criteria: LabCorp Variant Classification Summary - May 2015. Collection method: clinical testing. Allele origin: germline.

Literature cited by the submitters: PubMed 30267214 (cited by Ambry Genetics and Color Diagnostics, LLC DBA Color Health).